The following is an entry in ClinVar:

ClinVar aggregate classification (germline): Uncertain significance (1 of 4 stars; one submission).

Allele frequency attached by ClinVar (database versions not stated): TOPMed below 0.00001.

Submission:

GeneDx
Classification: Uncertain significance. Last evaluated: 2022-12-23. Review status: criteria provided, single submitter. Criteria: GeneDx Variant Classification Process June 2021. Collection method: clinical testing. Allele origin: germline. Affected: yes.
Comment: Not observed at significant frequency in large population cohorts (gnomAD); In silico analysis supports that this missense variant has a deleterious effect on protein structure/function; Has not been previously published as pathogenic or benign to our knowledge

NM_000827.4(GRIA1):c.1940T>C (p.Ile647Thr)

Gene: GRIA1 (glutamate ionotropic receptor AMPA type subunit 1; plus strand). Cytogenetic location: 5q33.2.
Variant type: single nucleotide variant.
Coding change: c.1940T>C on transcript NM_000827.4 (MANE Select); coding-DNA position 1940, T replaced by C.
Protein change: p.Ile647Thr; replaces isoleucine 647 with threonine.
Molecular consequence: missense variant. On other transcripts: non-coding transcript variant (2).
Genome position (GRCh38, 1-based): chr5:153,764,550, T>C. VCF-style: chr5-153764550-T-C. GRCh37 (hg19) VCF-style: chr5-153144110-T-C.
Other names: c.1940T>C, p.Ile647Thr (NM_001114183.2); c.1700T>C, p.Ile567Thr (NM_001258019.2); c.1655T>C, p.Ile552Thr (NM_001258020.2); c.1970T>C, p.Ile657Thr (NM_001258021.2, NM_001258022.2); c.1733T>C, p.Ile578Thr (NM_001258023.1, NM_001364167.2); c.1772T>C, p.Ile591Thr (NM_001364165.2); c.1967T>C, p.Ile656Thr (NM_001364166.2); short protein forms I552T, I567T, I578T, I591T, I647T, I656T, I657T.
Identifiers: ClinVar variation 2506855 (VCV002506855.1), dbSNP rs1763386505, ClinGen allele CA362002180.